The following is an entry in ClinVar:

NM_001211.6(BUB1B):c.2436_2439dup (p.Arg814fs)

Gene: BUB1B (BUB1 mitotic checkpoint serine/threonine kinase B; plus strand). Cytogenetic location: 15q15.1.
Variant type: Duplication.
Coding change: c.2436_2439dup on transcript NM_001211.6 (MANE Select); coding-DNA positions 2436 to 2439, 4 bases duplicated (GGAA; older notation c.2436_2439dupGGAA).
Protein change: p.Arg814fs; shifts the reading frame from arginine 814.
Molecular consequence: frameshift variant.
Genome position (GRCh38, 1-based): chr15:40,212,549-40,212,552, GGAA duplicated; duplicating any 4 consecutive bases within chr15:40,212,547-40,212,552 gives the same sequence; the c. name uses the placement nearest the transcript's 3' end. VCF-style (leftmost placement, unchanged base first): chr15-40212546-A-AAAGG. GRCh37 (hg19) VCF-style: chr15-40504747-A-AAAGG.
Other names: short protein forms R814fs.
Identifiers: ClinVar variation 4712931 (VCV004712931.1).
Genomic context (GRCh38, chr15:40,212,546, plus strand): 5'-CAATGTCTTACAGGTATCTTCTCAACCTGTCCCATGGGACTTTTATATCAACCTCAAGTT[A>AAAGG]AAGGAACGTTTAAATGAAGATTTTGATCATTTTTGCAGCTGTTATCAATATCAAGATGGC-3'

ClinVar aggregate classification (germline): Pathogenic (1 of 4 stars; one submission).

Conditions:
Mosaic variegated aneuploidy syndrome 1 (MVA1). Also called: Warburton-Anyane-Yeboa syndrome. Identifiers: Orphanet 1052, MedGen C1850343, MONDO:0009759, OMIM 257300.

Submission:

Labcorp Genetics (formerly Invitae), Labcorp
Classification: Pathogenic for Mosaic variegated aneuploidy syndrome 1. Last evaluated: 2025-02-12. Review status: criteria provided, single submitter. Criteria: Invitae Variant Classification Sherloc (09022015). Collection method: clinical testing. Allele origin: germline.
Comment: This sequence change creates a premature translational stop signal (p.Arg814Glyfs*5) in the BUB1B gene. It is expected to result in an absent or disrupted protein product. Loss-of-function variants in BUB1B are known to be pathogenic (PMID: 15475955, 21190457). This variant is not present in population databases (gnomAD no frequency). This variant has not been reported in the literature in individuals affected with BUB1B-related conditions. For these reasons, this variant has been classified as Pathogenic.

Literature cited by the submitters: PubMed 15475955; PubMed 21190457.